The following is an entry in ClinVar:

ClinVar aggregate classification (germline): Pathogenic/Likely pathogenic. Review status: criteria provided, multiple submitters, no conflicts (2 of 4 stars). 2 submissions from 2 submitters: Pathogenic (1); Likely pathogenic (1). Last evaluated 2024-02-28.

Conditions:
LAMC3-related disorder. Also called: LAMC3-related condition.

Submissions (2):

Blueprint Genetics
Classification: Likely pathogenic for LAMC3-related disorders. Last evaluated: 2024-02-28. Review status: criteria provided, single submitter. Criteria: ACMG Guidelines, 2015. Collection method: clinical testing. Allele origin: germline. Affected: yes. Observed: 1 variant allele.

Labcorp Genetics (formerly Invitae), Labcorp
Classification: Pathogenic. Last evaluated: 2021-08-03. Review status: criteria provided, single submitter. Criteria: Invitae Variant Classification Sherloc (09022015). Collection method: clinical testing. Allele origin: germline.
Comment: For these reasons, this variant has been classified as Pathogenic. This variant has not been reported in the literature in individuals affected with LAMC3-related conditions. This variant is not present in population databases (ExAC no frequency). This sequence change creates a premature translational stop signal (p.Pro779Argfs*105) in the LAMC3 gene. It is expected to result in an absent or disrupted protein product. Loss-of-function variants in LAMC3 are known to be pathogenic (PMID: 21572413, 26802095).

Literature cited by the submitters: PubMed 21572413 (cited by Labcorp Genetics (formerly Invitae), Labcorp); PubMed 26802095 (cited by Labcorp Genetics (formerly Invitae), Labcorp).

NM_006059.4(LAMC3):c.2336del (p.Pro779fs)

Gene: LAMC3 (laminin subunit gamma 3; plus strand). Cytogenetic location: 9q34.12.
Variant type: Deletion.
Coding change: c.2336del on transcript NM_006059.4 (MANE Select); coding-DNA position 2336, one base deleted (C; older notation c.2336delC).
Protein change: p.Pro779fs; shifts the reading frame from proline 779.
Molecular consequence: frameshift variant.
Genome position (GRCh38, 1-based): chr9:131,061,212, C deleted; the last of 6 consecutive C bases (chr9:131,061,207-131,061,212); deleting any one gives the same sequence. VCF-style (leftmost placement, unchanged base first): chr9-131061206-GC-G. GRCh37 (hg19) VCF-style: chr9-133936593-GC-G.
Other names: short protein forms P779fs.
Identifiers: ClinVar variation 1454553 (VCV001454553.7), dbSNP rs765163533, ClinGen allele CA2573144089.